The following is an entry in ClinVar:

ClinVar aggregate classification (germline): Uncertain significance. Review status: criteria provided, multiple submitters, no conflicts (2 of 4 stars). 3 submissions from 3 submitters: Uncertain significance (2). 1 of the submissions does not count toward it. Last evaluated 2023-04-27.

Conditions:
Nephronophthisis. Also called: Juvenile Nephronophthisis. Identifiers: Orphanet 655, MedGen C0687120, MONDO:0019005, HP:0000090.
NPHP3-related disorder. Also called: NPHP3-related condition; NPHP3-related disorders. Identifiers: MedGen CN379163.

Allele frequency attached by ClinVar (database versions not stated): gnomAD exomes 0.00001.
gnomAD v4.1: 7 of 1,613,874 alleles (0.00043%); highest among the groups gnomAD compares: East Asian, 0.0022%; no homozygotes.

Submissions (3):

Labcorp Genetics (formerly Invitae), Labcorp
Classification: Uncertain significance for Nephronophthisis. Last evaluated: 2023-04-27. Review status: criteria provided, single submitter. Criteria: Invitae Variant Classification Sherloc (09022015). Collection method: clinical testing. Allele origin: germline.
Comment: This sequence change replaces arginine, which is basic and polar, with glutamine, which is neutral and polar, at codon 702 of the NPHP3 protein (p.Arg702Gln). This variant is not present in population databases (gnomAD no frequency). This variant has not been reported in the literature in individuals affected with NPHP3-related conditions. ClinVar contains an entry for this variant (Variation ID: 501427). Advanced modeling of protein sequence and biophysical properties (such as structural, functional, and spatial information, amino acid conservation, physicochemical variation, residue mobility, and thermodynamic stability) performed at Invitae indicates that this missense variant is not expected to disrupt NPHP3 protein function. In summary, the available evidence is currently insufficient to determine the role of this variant in disease. Therefore, it has been classified as a Variant of Uncertain Significance.

Eurofins Ntd Llc (ga)
Classification: Uncertain significance. Last evaluated: 2017-04-11. Review status: criteria provided, single submitter. Criteria: EGL Classification Definitions 2015. Collection method: clinical testing. Allele origin: germline. Observed: 1 variant allele, 1 heterozygote.

PreventionGenetics, part of Exact Sciences
Classification: Uncertain significance for NPHP3-related condition. Last evaluated: 2024-08-07. Review status: no assertion criteria provided. Collection method: clinical testing. Allele origin: germline. Not counted in ClinVar's aggregate classification.
Comment: The NPHP3 c.2105G>A variant is predicted to result in the amino acid substitution p.Arg702Gln. To our knowledge, this variant has not been reported in the literature or in a large population database, indicating this variant is rare. At this time, the clinical significance of this variant is uncertain due to the absence of conclusive functional and genetic evidence.

NM_153240.5(NPHP3):c.2105G>A (p.Arg702Gln)

Genes: NPHP3 (nephrocystin 3; minus strand), NPHP3-ACAD11 (NPHP3-ACAD11 readthrough (NMD candidate); minus strand). Cytogenetic location: 3q22.1.
Variant type: single nucleotide variant.
Coding change: c.2105G>A on transcript NM_153240.5 (MANE Select); coding-DNA position 2105, G replaced by A.
Protein change: p.Arg702Gln; replaces arginine 702 with glutamine.
Molecular consequence: missense variant. On other transcripts: non-coding transcript variant (1).
Genome position (GRCh38, 1-based): chr3:132,696,797, C>T on the plus strand (G>A on the coding strand, the complement: NPHP3 is on the minus strand). VCF-style: chr3-132696797-C-T. GRCh37 (hg19) VCF-style: chr3-132415641-C-T.
Other names: c.2105G>A (NM_153240.4); short protein forms R702Q.
Identifiers: ClinVar variation 501427 (VCV000501427.9), dbSNP rs889394540, ClinGen allele CA83591056.